The following is an entry in ClinVar:

NM_006231.4(POLE):c.4402C>G (p.Leu1468Val)

Gene: POLE (DNA polymerase epsilon, catalytic subunit; minus strand). Cytogenetic location: 12q24.33.
Variant type: single nucleotide variant.
Coding change: c.4402C>G on transcript NM_006231.4 (MANE Select); coding-DNA position 4402, C replaced by G.
Protein change: p.Leu1468Val; replaces leucine 1468 with valine.
Molecular consequence: missense variant.
Genome position (GRCh38, 1-based): chr12:132,643,449, G>C on the plus strand (C>G on the coding strand, the complement: POLE is on the minus strand). VCF-style: chr12-132643449-G-C. GRCh37 (hg19) VCF-style: chr12-133220035-G-C.
Other names: short protein forms L1468V.
Identifiers: ClinVar variation 1517291 (VCV001517291.6), dbSNP rs139970867, ClinGen allele CA387381095.

ClinVar aggregate classification (germline): Uncertain significance (1 of 4 stars; one submission).

Submission:

Labcorp Genetics (formerly Invitae), Labcorp
Classification: Uncertain significance. Last evaluated: 2021-09-04. Review status: criteria provided, single submitter. Criteria: Invitae Variant Classification Sherloc (09022015). Collection method: clinical testing. Allele origin: germline.
Comment: In summary, the available evidence is currently insufficient to determine the role of this variant in disease. Therefore, it has been classified as a Variant of Uncertain Significance. This sequence change replaces leucine with valine at codon 1468 of the POLE protein (p.Leu1468Val). The leucine residue is highly conserved and there is a small physicochemical difference between leucine and valine. This variant is not present in population databases (ExAC no frequency). This variant has not been reported in the literature in individuals affected with POLE-related conditions. Algorithms developed to predict the effect of missense changes on protein structure and function (SIFT, PolyPhen-2, Align-GVGD) all suggest that this variant is likely to be disruptive.